The following is an entry in ClinVar:

ClinVar aggregate classification (germline): Uncertain significance (1 of 4 stars; one submission).

Conditions:
TAF1-related disorder. Also called: TAF1-related condition.

Submission:

PreventionGenetics, part of Exact Sciences
Classification: Uncertain significance for TAF1-related condition. Last evaluated: 2023-08-28. Review status: criteria provided, single submitter. Criteria: ACMG Guidelines, 2015. Collection method: clinical testing. Allele origin: germline.
Comment: The TAF1 c.1157G>A variant is predicted to result in the amino acid substitution p.Gly386Asp. To our knowledge, this variant has not been reported in the literature or in a large population database, indicating this variant is rare. At this time, the clinical significance of this variant is uncertain due to the absence of conclusive functional and genetic evidence.

NM_004606.5(TAF1):c.1097G>A (p.Gly366Asp)

Gene: TAF1 (TATA-box binding protein associated factor 1; plus strand). Cytogenetic location: Xq13.1.
Variant type: single nucleotide variant.
Coding change: c.1097G>A on transcript NM_004606.5 (MANE Select); coding-DNA position 1097, G replaced by A.
Protein change: p.Gly366Asp; replaces glycine 366 with aspartic acid.
Molecular consequence: missense variant. On other transcripts: non-coding transcript variant (9).
Genome position (GRCh38, 1-based): chrX:71,378,398, G>A. VCF-style: chrX-71378398-G-A. GRCh37 (hg19) VCF-style: chrX-70598248-G-A.
Other names: c.1097G>A, p.Gly366Asp (NM_001286074.2); c.1034G>A, p.Gly345Asp (NM_138923.4); short protein forms G345D, G366D.
Identifiers: ClinVar variation 2630981 (VCV002630981.1), dbSNP rs2520151302, ClinGen allele CA413509329.